The following is an entry in ClinVar:

NM_001144967.3(NEDD4L):c.869C>T (p.Ala290Val)

Gene: NEDD4L (NEDD4 like E3 ubiquitin protein ligase; plus strand). Cytogenetic location: 18q21.31.
Variant type: single nucleotide variant.
Coding change: c.869C>T on transcript NM_001144967.3 (MANE Select); coding-DNA position 869, C replaced by T.
Protein change: p.Ala290Val; replaces alanine 290 with valine.
Molecular consequence: missense variant.
Genome position (GRCh38, 1-based): chr18:58,330,793, C>T. VCF-style: chr18-58330793-C-T. GRCh37 (hg19) VCF-style: chr18-55998025-C-T.
Other names: c.506C>T, p.Ala169Val (NM_001144964.1, NM_001144965.2, NM_001144966.3 and 2 more transcripts); c.845C>T, p.Ala282Val (NM_001144968.2, NM_001144969.2); c.869C>T, p.Ala290Val (NM_001243960.2, NM_015277.6); c.869C>T (NM_015277.5); short protein forms A169V, A282V, A290V.
Identifiers: ClinVar variation 2108843 (VCV002108843.5), dbSNP rs2516394941, ClinGen allele CA402555536.

ClinVar aggregate classification (germline): Uncertain significance. Review status: criteria provided, multiple submitters, no conflicts (2 of 4 stars). 2 submissions from 2 submitters: Uncertain significance (2). Last evaluated 2024-02-05.

Conditions:
Inborn genetic diseases. Identifiers: MedGen C0950123, MeSH D030342.

Allele frequency attached by ClinVar (database versions not stated): gnomAD exomes below 0.00001.
gnomAD v4.1: 1 of 1,613,628 alleles (0.000062%); no homozygotes.

Submissions (2):

Ambry Genetics
Classification: Uncertain significance for Inborn genetic diseases. Last evaluated: 2024-02-05. Review status: criteria provided, single submitter. Criteria: Ambry Variant Classification Scheme 2023. Collection method: clinical testing. Allele origin: germline.

Labcorp Genetics (formerly Invitae), Labcorp
Classification: Uncertain significance. Last evaluated: 2022-10-19. Review status: criteria provided, single submitter. Criteria: Invitae Variant Classification Sherloc (09022015). Collection method: clinical testing. Allele origin: germline.
Comment: In summary, the available evidence is currently insufficient to determine the role of this variant in disease. Therefore, it has been classified as a Variant of Uncertain Significance. Advanced modeling of protein sequence and biophysical properties (such as structural, functional, and spatial information, amino acid conservation, physicochemical variation, residue mobility, and thermodynamic stability) performed at Invitae indicates that this missense variant is not expected to disrupt NEDD4L protein function. This variant has not been reported in the literature in individuals affected with NEDD4L-related conditions. This variant is not present in population databases (gnomAD no frequency). This sequence change replaces alanine, which is neutral and non-polar, with valine, which is neutral and non-polar, at codon 290 of the NEDD4L protein (p.Ala290Val).